The following is an entry in ClinVar:

NM_003502.4(AXIN1):c.2186+7C>T

Gene: AXIN1 (axin 1; minus strand). Cytogenetic location: 16p13.3.
Variant type: single nucleotide variant.
Coding change: c.2186+7C>T on transcript NM_003502.4 (MANE Select); 7 bases into the intron after coding-DNA position 2186, C replaced by T.
Molecular consequence: intron variant.
Genome position (GRCh38, 1-based): chr16:293,481, G>A on the plus strand (C>T on the coding strand, the complement: AXIN1 is on the minus strand). VCF-style: chr16-293481-G-A. GRCh37 (hg19) VCF-style: chr16-343481-G-A.
Other names: c.2186+7C>T (NM_181050.3).
Identifiers: ClinVar variation 446041 (VCV000446041.32), dbSNP rs189357878, ClinGen allele CA7773939.

ClinVar aggregate classification (germline): Benign/Likely benign. Review status: criteria provided, multiple submitters, no conflicts (2 of 4 stars). 5 submissions from 5 submitters: Benign (2); Likely benign (3). Last evaluated 2025-08-18.

Allele frequency attached by ClinVar (database versions not stated): 1000 Genomes Project 30x 0.00562; 1000 Genomes Project 0.00579; TOPMed 0.00775; gnomAD 0.00833 and 0.00841; ESP Exome Variant Server 0.00885; ExAC 0.00938; gnomAD exomes 0.00945 and 0.01158.
gnomAD v4.1: 18,128 of 1,607,918 alleles (1.1%); highest among the groups gnomAD compares: South Asian, 1.6%; 132 homozygotes.

Submissions (5):

Genomic Medicine Center of Excellence, King Faisal Specialist Hospital and Research Centre
Classification: Likely benign. Last evaluated: 2025-08-18. Review status: criteria provided, single submitter. Criteria: ACMG Guidelines, 2015. Collection method: clinical testing. Allele origin: germline.

CeGaT Center for Human Genetics Tuebingen
Classification: Benign. Last evaluated: 2022-04-01. Review status: criteria provided, single submitter. Criteria: CeGaT Center For Human Genetics Tuebingen Variant Classification Criteria Version 2. Collection method: clinical testing. Allele origin: germline. Affected: yes. Observed: 1 variant allele.
Comment: AXIN1: BP4, BS1, BS2

Labcorp Genetics (formerly Invitae), Labcorp
Classification: Benign. Last evaluated: 2019-12-31. Review status: criteria provided, single submitter. Criteria: Invitae Variant Classification Sherloc (09022015). Collection method: clinical testing. Allele origin: germline.

Center for Pediatric Genomic Medicine, Children's Mercy Hospital and Clinics
Classification: Likely benign. Last evaluated: 2017-09-27. Review status: criteria provided, single submitter. Criteria: ACMG Guidelines, 2015. Collection method: clinical testing. Allele origin: germline.

Breakthrough Genomics
Classification: Likely benign. Review status: criteria provided, single submitter. Criteria: ACMG Guidelines, 2015. Collection method: not provided. Allele origin: germline. Inheritance: Unknown mechanism. Affected: yes.